The following is an entry in ClinVar:

NM_001353345.2(SETD1B):c.5861G>C (p.Cys1954Ser)

Gene: SETD1B (SET domain containing 1B, histone lysine methyltransferase; plus strand). Cytogenetic location: 12q24.31.
Variant type: single nucleotide variant.
Coding change: c.5861G>C on transcript NM_001353345.2 (MANE Select); coding-DNA position 5861, G replaced by C.
Protein change: p.Cys1954Ser; replaces cysteine 1954 with serine.
Molecular consequence: missense variant.
Genome position (GRCh38, 1-based): chr12:121,830,199, G>C. VCF-style: chr12-121830199-G-C. GRCh37 (hg19) VCF-style: chr12-122268105-G-C.
Other names: short protein forms C1954S.
Identifiers: ClinVar variation 4795513 (VCV004795513.1).

ClinVar aggregate classification (germline): Uncertain significance (1 of 4 stars; one submission).

Submission:

GeneDx
Classification: Uncertain significance. Last evaluated: 2025-08-15. Review status: criteria provided, single submitter. Criteria: GeneDx Variant Classification Process June 2021. Collection method: clinical testing. Allele origin: germline. Affected: yes.
Comment: Not observed at significant frequency in large population cohorts (gnomAD); In silico analysis supports that this missense variant has a deleterious effect on protein structure/function; Has not been previously published as pathogenic or benign to our knowledge.